The following is an entry in ClinVar:

ClinVar aggregate classification (germline): Uncertain significance. Review status: criteria provided, multiple submitters, no conflicts (2 of 4 stars). 2 submissions from 2 submitters: Uncertain significance (2). Last evaluated 2024-08-12.

Conditions:
Inborn genetic diseases. Identifiers: MedGen C0950123, MeSH D030342.
Spastic paraplegia. Identifiers: MedGen C0037772, HP:0001258.

Allele frequency attached by ClinVar (database versions not stated): TOPMed 0.00006.
gnomAD v4.1: 111 of 1,614,072 alleles (0.0069%); highest among the groups gnomAD compares: East Asian, 0.024%; no homozygotes.

Submissions (2):

Ambry Genetics
Classification: Uncertain significance for Inborn genetic diseases. Last evaluated: 2024-08-12. Review status: criteria provided, single submitter. Criteria: Ambry Variant Classification Scheme 2023. Collection method: clinical testing. Allele origin: germline.

Labcorp Genetics (formerly Invitae), Labcorp
Classification: Uncertain significance for Spastic paraplegia. Last evaluated: 2022-03-22. Review status: criteria provided, single submitter. Criteria: Invitae Variant Classification Sherloc (09022015). Collection method: clinical testing. Allele origin: germline.
Comment: This sequence change replaces valine, which is neutral and non-polar, with methionine, which is neutral and non-polar, at codon 480 of the B4GALNT1 protein (p.Val480Met). This variant is present in population databases (rs747864083, gnomAD 0.06%). This variant has not been reported in the literature in individuals affected with B4GALNT1-related conditions. ClinVar contains an entry for this variant (Variation ID: 1036032). Algorithms developed to predict the effect of missense changes on protein structure and function are either unavailable or do not agree on the potential impact of this missense change (SIFT: "Deleterious"; PolyPhen-2: "Benign"; Align-GVGD: "Class C0"). In summary, the available evidence is currently insufficient to determine the role of this variant in disease. Therefore, it has been classified as a Variant of Uncertain Significance.

NM_001478.5(B4GALNT1):c.1438G>A (p.Val480Met)

Gene: B4GALNT1 (beta-1,4-N-acetyl-galactosaminyltransferase 1; minus strand). Cytogenetic location: 12q13.3.
Variant type: single nucleotide variant.
Coding change: c.1438G>A on transcript NM_001478.5 (MANE Select); coding-DNA position 1438, G replaced by A.
Protein change: p.Val480Met; replaces valine 480 with methionine.
Molecular consequence: missense variant.
Genome position (GRCh38, 1-based): chr12:57,626,908, C>T on the plus strand (G>A on the coding strand, the complement: B4GALNT1 is on the minus strand). VCF-style: chr12-57626908-C-T. GRCh37 (hg19) VCF-style: chr12-58020691-C-T.
Other names: c.1273G>A, p.Val425Met (NM_001276468.2); c.1438G>A (NM_001478.3); short protein forms V480M, V425M.
Identifiers: ClinVar variation 1036032 (VCV001036032.5), dbSNP rs747864083, ClinGen allele CA6655433.